The following is an entry in ClinVar:

ClinVar aggregate classification (germline): Conflicting classifications of pathogenicity. Review status: criteria provided, conflicting classifications (1 of 4 stars). 4 submissions from 4 submitters: Uncertain significance (1); Benign (1); Likely benign (2). Last evaluated 2024-05-13.

Conditions:
Hereditary cancer-predisposing syndrome. Also called: Hereditary Cancer Syndrome; Neoplastic Syndromes, Hereditary; Hereditary neoplastic syndrome; Tumor predisposition. Identifiers: Orphanet 140162, MedGen C0027672, MeSH D009386, MONDO:0015356.
Ataxia-telangiectasia syndrome (AT). Also called: Cerebello-oculocutaneous telangiectasia; Immunodeficiency with ataxia telangiectasia; Ataxia-telangiectasia, complementation group E; Ataxia-telangiectasia, complementation group D; AT, COMPLEMENTATION GROUP C; ATAXIA-TELANGIECTASIA, COMPLEMENTATION GROUP A. Identifiers: Orphanet 100, MedGen C0004135, MONDO:0008840, OMIM 208900.
Familial cancer of breast. Also called: Hereditary breast cancer; hereditary breast carcinoma; BREAST CANCER, FAMILIAL. Identifiers: Orphanet 227535, MedGen C0346153, MONDO:0016419, OMIM 114480. Disease mechanism: loss of function.

Submissions (4):

Myriad Genetics, Inc.
Classification: Benign for Familial cancer of breast. Last evaluated: 2024-05-13. Review status: criteria provided, single submitter. Criteria: Myriad Autosomal Dominant, Autosomal Recessive and X-Linked Classification Criteria (2023). Collection method: clinical testing. Allele origin: unknown.
Comment: This variant is considered benign. This variant is a silent/synonymous amino acid change and it is not expected to impact splicing.

Labcorp Genetics (formerly Invitae), Labcorp
Classification: Likely benign for Ataxia-telangiectasia syndrome. Last evaluated: 2023-11-19. Review status: criteria provided, single submitter. Criteria: Invitae Variant Classification Sherloc (09022015). Collection method: clinical testing. Allele origin: germline.

Athena Diagnostics
Classification: Uncertain significance. Last evaluated: 2019-11-20. Review status: criteria provided, single submitter. Criteria: Athena Diagnostics Criteria. Collection method: clinical testing. Allele origin: unknown.

Ambry Genetics
Classification: Likely benign for Hereditary cancer-predisposing syndrome. Last evaluated: 2017-12-22. Review status: criteria provided, single submitter. Criteria: Ambry Variant Classification Scheme 2023. Collection method: clinical testing. Allele origin: germline.

NM_000051.4(ATM):c.3063A>G (p.Val1021=)

Gene: ATM (ATM serine/threonine kinase; plus strand). Cytogenetic location: 11q22.3.
Variant type: single nucleotide variant.
Coding change: c.3063A>G on transcript NM_000051.4 (MANE Select); coding-DNA position 3063, A replaced by G.
Protein change: p.Val1021=; no amino-acid change (valine 1021 retained).
Molecular consequence: synonymous variant.
Genome position (GRCh38, 1-based): chr11:108,271,392, A>G. VCF-style: chr11-108271392-A-G. GRCh37 (hg19) VCF-style: chr11-108142119-A-G.
Other names: c.3063A>G, p.Val1021= (NM_001351834.2).
Identifiers: ClinVar variation 822771 (VCV000822771.14), dbSNP rs1591604752, ClinGen allele CA476674446.